The following is an entry in ClinVar:

ClinVar aggregate classification (germline): Uncertain significance (1 of 4 stars; one submission).

Conditions:
UNC80-related disorder. Also called: UNC80-related condition.

gnomAD v4.1: 14 of 1,551,886 alleles (0.0009%); highest among the groups gnomAD compares: Middle Eastern, 0.017%; no homozygotes.

Submission:

PreventionGenetics, part of Exact Sciences
Classification: Uncertain significance for UNC80-related condition. Last evaluated: 2025-07-14. Review status: criteria provided, single submitter. Criteria: ACMG Guidelines, 2015. Collection method: clinical testing. Allele origin: germline.
Comment: The UNC80 c.3212G>A variant is predicted to result in the amino acid substitution p.Arg1071His. To our knowledge, this variant has not been reported in the literature. This variant is reported in 0.0044% of alleles in individuals of South Asian descent in gnomAD. At this time, the clinical significance of this variant is uncertain due to the absence of conclusive functional and genetic evidence.

NM_001371986.1(UNC80):c.3212G>A (p.Arg1071His)

Gene: UNC80 (unc-80 subunit of NALCN channel complex; plus strand). Cytogenetic location: 2q34.
Variant type: single nucleotide variant.
Coding change: c.3212G>A on transcript NM_001371986.1 (MANE Select); coding-DNA position 3212, G replaced by A.
Protein change: p.Arg1071His; replaces arginine 1071 with histidine.
Molecular consequence: missense variant.
Genome position (GRCh38, 1-based): chr2:209,839,392, G>A. VCF-style: chr2-209839392-G-A. GRCh37 (hg19) VCF-style: chr2-210704116-G-A.
Other names: c.3212G>A, p.Arg1071His (NM_032504.2); c.3197G>A, p.Arg1066His (NM_182587.4); short protein forms R1071H, R1066H.
Identifiers: ClinVar variation 4987198 (VCV004987198.1).